The following is an entry in ClinVar:

NM_000540.3(RYR1):c.11048A>G (p.Gln3683Arg)

Gene: RYR1 (ryanodine receptor 1; plus strand). Cytogenetic location: 19q13.2.
Variant type: single nucleotide variant.
Coding change: c.11048A>G on transcript NM_000540.3 (MANE Select); coding-DNA position 11048, A replaced by G.
Protein change: p.Gln3683Arg; replaces glutamine 3683 with arginine.
Molecular consequence: missense variant.
Genome position (GRCh38, 1-based): chr19:38,528,964, A>G. VCF-style: chr19-38528964-A-G. GRCh37 (hg19) VCF-style: chr19-39019604-A-G.
Other names: c.11033A>G, p.Gln3678Arg (NM_001042723.2); short protein forms Q3683R, Q3678R.
Identifiers: ClinVar variation 655339 (VCV000655339.8), dbSNP rs1600937472, ClinGen allele CA405649961.
Genomic context (GRCh38, chr19:38,528,964, plus strand): 5'-GAGGGGACTCTAGAAACCCTCTCCCCAAGTCTCCCCTCTCCCACCAGAAAGCTGGGGAGC[A>G]GGAGGAGGAGGAGGAAGAGGTGGAAGAGAAGAAGCCAGACCCCCTGCACCAGTTGGTCCT-3'
Protein context (NP_000531.2, residues 3673-3693): MIDDLSKAGE[Gln3683Arg]EEEEEEVEEK

ClinVar aggregate classification (germline): Uncertain significance (1 of 4 stars; one submission).

Conditions:
RYR1-related disorder. Also called: RYR1-related disorders; RYR1-related condition. Identifiers: MedGen CN239331.

Allele frequency attached by ClinVar (database versions not stated): gnomAD exomes below 0.00001.
gnomAD v4.1: 1 of 1,533,280 alleles (0.000065%); highest among the groups gnomAD compares: South Asian, 0.0012%; no homozygotes.

Submission:

Labcorp Genetics (formerly Invitae), Labcorp
Classification: Uncertain significance for RYR1-related disorder. Last evaluated: 2024-03-01. Review status: criteria provided, single submitter. Criteria: Invitae Variant Classification Sherloc (09022015). Collection method: clinical testing. Allele origin: germline.
Comment: This sequence change replaces glutamine, which is neutral and polar, with arginine, which is basic and polar, at codon 3683 of the RYR1 protein (p.Gln3683Arg). This variant is not present in population databases (gnomAD no frequency). This variant has not been reported in the literature in individuals affected with RYR1-related conditions. ClinVar contains an entry for this variant (Variation ID: 655339). Advanced modeling of protein sequence and biophysical properties (such as structural, functional, and spatial information, amino acid conservation, physicochemical variation, residue mobility, and thermodynamic stability) performed at Invitae indicates that this missense variant is not expected to disrupt RYR1 protein function with a negative predictive value of 95%. In summary, the available evidence is currently insufficient to determine the role of this variant in disease. Therefore, it has been classified as a Variant of Uncertain Significance.